The following is an entry in ClinVar:

ClinVar aggregate classification (germline): Uncertain significance (1 of 4 stars; one submission).

Conditions:
Long QT syndrome (LQTS). Identifiers: MedGen C0023976, MeSH D008133, MONDO:0002442. Disease mechanism: loss of function. Inheritance: Various modes of inheritance.

Submission:

Labcorp Genetics (formerly Invitae), Labcorp
Classification: Uncertain significance for Long QT syndrome. Last evaluated: 2023-03-19. Review status: criteria provided, single submitter. Criteria: Invitae Variant Classification Sherloc (09022015). Collection method: clinical testing. Allele origin: germline.
Comment: In summary, the available evidence is currently insufficient to determine the role of this variant in disease. Therefore, it has been classified as a Variant of Uncertain Significance. Experimental studies and prediction algorithms are not available or were not evaluated, and the functional significance of this variant is currently unknown. ClinVar contains an entry for this variant (Variation ID: 1507488). This variant has not been reported in the literature in individuals affected with CACNA1C-related conditions. This variant is not present in population databases (gnomAD no frequency). This variant, c.6312_6344del, results in the deletion of 11 amino acid(s) of the CACNA1C protein (p.Gln2105_Gly2115del), but otherwise preserves the integrity of the reading frame.

NM_000719.7(CACNA1C):c.6312_6344del (p.Gln2105_Gly2115del)

Genes: CACNA1C (calcium voltage-gated channel subunit alpha1 C; plus strand), CACNA1C-AS1 (CACNA1C antisense RNA 1; minus strand). Cytogenetic location: 12p13.33.
Variant type: Deletion.
Coding change: c.6312_6344del on transcript NM_000719.7 (MANE Select); coding-DNA positions 6312 to 6344, 33 bases deleted.
Protein change: p.Gln2105_Gly2115del.
Molecular consequence: inframe deletion. On other transcripts: non-coding transcript variant (1).
Genome position (GRCh38, 1-based): chr12:2,691,094-2,691,126, 33 bases deleted; deleting any 33 consecutive bases within chr12:2,691,085-2,691,126 gives the same sequence; the c. name uses the placement nearest the transcript's 3' end. GRCh37 (hg19): chr12:2,800,260-2,800,292.
Other names: c.6456_6488del, p.Gln2153_Gly2163del (NM_001129827.2); c.6435_6467del, p.Gln2146_Gly2156del (NM_001129829.2); c.6417_6449del, p.Gln2140_Gly2150del (NM_001129830.3, NM_001167624.3); c.6396_6428del, p.Gln2133_Gly2143del (NM_001129831.2); c.6372_6404del, p.Gln2125_Gly2135del (NM_001129832.2); c.6369_6401del, p.Gln2124_Gly2134del (NM_001129833.2, NM_001129834.2, NM_001129835.2); c.6363_6395del, p.Gln2122_Gly2132del (NM_001129836.2); c.6336_6368del, p.Gln2113_Gly2123del (NM_001129837.2, NM_001129838.2); and 6 more.
Identifiers: ClinVar variation 1507488 (VCV001507488.6), dbSNP rs2153891914, ClinGen allele CA2573148403.